The following is an entry in ClinVar:

NM_172351.3(CD46):c.*918G>A

Gene: CD46 (CD46 molecule; plus strand). Cytogenetic location: 1q32.2.
Variant type: single nucleotide variant.
Coding change: c.*918G>A on transcript NM_172351.3 (MANE Select); 918 bases downstream of the stop codon, G replaced by A.
Molecular consequence: 3 prime UTR variant.
Genome position (GRCh38, 1-based): chr1:207,794,395, G>A. VCF-style: chr1-207794395-G-A. GRCh37 (hg19) VCF-style: chr1-207967740-G-A.
Other names: c.*918G>A (LRG_155t1, NM_172352.3, NM_172355.3 and 2 more transcripts); c.*804G>A (NM_153826.4, NM_172353.3, NM_172356.3 and 2 more transcripts); c.*800G>A (NM_172350.3, NM_172358.3).
Identifiers: ClinVar variation 294984 (VCV000294984.5), dbSNP rs6664092, ClinGen allele CA10608931.

ClinVar aggregate classification (germline): Benign (1 of 4 stars; one submission).

Conditions:
Atypical hemolytic-uremic syndrome with MCP/CD46 anomaly. Also called: HEMOLYTIC UREMIC SYNDROME, ATYPICAL, SUSCEPTIBILITY TO, 2; AHUS, SUSCEPTIBILITY TO, 2. Identifiers: Orphanet 2134, MedGen C2752040, MONDO:0013040, OMIM 612922.

Allele frequency attached by ClinVar (database versions not stated): gnomAD 0.01140 and 0.01233; 1000 Genomes Project 0.01218; 1000 Genomes Project 30x 0.01327; TOPMed 0.01247.

Submission:

Illumina Laboratory Services, Illumina
Classification: Benign for Atypical hemolytic-uremic syndrome with MCP/CD46 anomaly. Last evaluated: 2018-01-13. Review status: criteria provided, single submitter. Criteria: ICSL Variant Classification Criteria 13 December 2019. Collection method: clinical testing. Allele origin: germline.
Comment: This variant was observed in the ICSL laboratory as part of a predisposition screen in an ostensibly healthy population. It had not been previously curated by ICSL or reported in the Human Gene Mutation Database (HGMD: prior to June 1st, 2018), and was therefore a candidate for classification through an automated scoring system. Utilizing variant allele frequency, disease prevalence and penetrance estimates, and inheritance mode, an automated score was calculated to assess if this variant is too frequent to cause the disease. Based on the score and internal cut-off values, a variant classified as benign is not then subjected to further curation. The score for this variant resulted in a classification of benign for this disease.